The following is an entry in ClinVar:

NM_001366385.1(CARD14):c.312C>T (p.Thr104=)

Gene: CARD14 (caspase recruitment domain family member 14; plus strand). Cytogenetic location: 17q25.3.
Variant type: single nucleotide variant.
Coding change: c.312C>T on transcript NM_001366385.1 (MANE Select); coding-DNA position 312, C replaced by T.
Protein change: p.Thr104=; no amino-acid change (threonine 104 retained).
Molecular consequence: synonymous variant. On other transcripts: non-coding transcript variant (1).
Genome position (GRCh38, 1-based): chr17:80,182,753, C>T. VCF-style: chr17-80182753-C-T. GRCh37 (hg19) VCF-style: chr17-78156552-C-T.
Other names: c.312C>T, p.Thr104= (NM_001257970.1, NM_024110.4).
Identifiers: ClinVar variation 761533 (VCV000761533.17), dbSNP rs768362011, ClinGen allele CA8816388.
Genomic context (GRCh38, chr17:80,182,753, plus strand): 5'-GGCCATCGCCTTCCTGGAGAGCCTGAAGTTCCACAACCCTGACGTCTACACCCTGGTCAC[C>T]GGGCTGCAGCCTGATGTTGACTTCAGTAACTTTAGCGGTGAGAGCTCCGACTTTGACGGT-3'
Protein context (NP_001353314.1, residues 94-114): FHNPDVYTLV[Thr104=]GLQPDVDFSN

ClinVar aggregate classification (germline): Conflicting classifications of pathogenicity. Review status: criteria provided, conflicting classifications (1 of 4 stars). 4 submissions from 4 submitters: Uncertain significance (1); Likely benign (2). 1 of the submissions does not count toward it. Last evaluated 2026-01-21.

Conditions:
CARD14-related disorder. Also called: CARD14-related condition.
Autoinflammatory syndrome. Identifiers: Orphanet 93665, MedGen C3890737, MONDO:0019751.
Pityriasis rubra pilaris (PRP). Also called: Pityriasis rubra pilaris--familial type. Identifiers: Orphanet 2897, MedGen C0032027, MONDO:0100017, OMIM 173200, MONDO:0008251.
Psoriasis 2. Identifiers: MedGen C1864497, MONDO:0011269, OMIM 602723.

Allele frequency attached by ClinVar (database versions not stated): gnomAD 0.00001 and 0.00002; TOPMed 0.00001; ExAC 0.00002; gnomAD exomes 0.00004 and 0.00007.
gnomAD v4.1: 108 of 1,614,044 alleles (0.0067%); highest among the groups gnomAD compares: East Asian, 0.069%; no homozygotes.

Submissions (4):

Labcorp Genetics (formerly Invitae), Labcorp
Classification: Likely benign for Pityriasis rubra pilaris; Psoriasis 2. Last evaluated: 2026-01-21. Review status: criteria provided, single submitter. Criteria: Invitae Variant Classification Sherloc (09022015). Collection method: clinical testing. Allele origin: germline.

Blueprint Genetics
Classification: Likely benign. Last evaluated: 2023-04-13. Review status: criteria provided, single submitter. Criteria: ACMG Guidelines, 2015. Collection method: clinical testing. Allele origin: germline.

Genome Diagnostics Laboratory, The Hospital for Sick Children
Classification: Uncertain significance for Autoinflammatory syndrome. Last evaluated: 2021-03-08. Review status: criteria provided, single submitter. Criteria: ACMG Guidelines, 2015. Collection method: clinical testing. Allele origin: germline. Affected: yes.

PreventionGenetics, part of Exact Sciences
Classification: Likely benign for CARD14-related condition. Last evaluated: 2019-05-28. Review status: no assertion criteria provided. Collection method: clinical testing. Allele origin: germline. Not counted in ClinVar's aggregate classification.
Comment: This variant is classified as likely benign based on ACMG/AMP sequence variant interpretation guidelines (Richards et al. 2015 PMID: 25741868, with internal and published modifications).